The following is an entry in ClinVar:

ClinVar aggregate classification (germline): Conflicting classifications of pathogenicity. Review status: criteria provided, conflicting classifications (1 of 4 stars). 7 submissions from 6 submitters: Uncertain significance (1); Benign (4); Likely benign (2). Last evaluated 2026-01-21.

Conditions:
RYR1-related disorder. Also called: RYR1-related condition; RYR1-related disorders. Identifiers: MedGen CN239331.
Malignant hyperthermia, susceptibility to, 1 (MHS1). Also called: RYR1-Related Malignant Hyperthermia Susceptibility; Anesthesia related hyperthermia; Malignant hyperpyrexia; Fulminating hyperpyrexia; Pharmacogenic myopathy; Malignant hyperthermia suceptibility 1. Identifiers: Orphanet 423, MedGen C2930980, MONDO:0007783, OMIM 145600.
Congenital multicore myopathy with external ophthalmoplegia (CMYO1B). Also called: MULTIMINICORE DISEASE WITH EXTERNAL OPHTHALMOPLEGIA; Congenital myopathy 1B, autosomal recessive; Minicore myopathy; Minicore myopathy with external ophthalmoplegia; MULTICORE MYOPATHY. Identifiers: Orphanet 598, Orphanet 98905, MedGen C1850674, MONDO:0009712, OMIM 255320, HP:0003789.

Allele frequency attached by ClinVar (database versions not stated): gnomAD below 0.00001 and 0.00020; TOPMed 0.00003; gnomAD exomes 0.00035 and 0.00068; ExAC 0.00067; 1000 Genomes Project 30x 0.00094; 1000 Genomes Project 0.00100.
gnomAD v4.1: 538 of 1,614,044 alleles (0.033%); highest among the groups gnomAD compares: South Asian, 0.56%; 5 homozygotes.

Submissions (7):

Labcorp Genetics (formerly Invitae), Labcorp
Classification: Benign for RYR1-related disorder. Last evaluated: 2026-01-21. Review status: criteria provided, single submitter. Criteria: Invitae Variant Classification Sherloc (09022015). Collection method: clinical testing. Allele origin: germline.

Blueprint Genetics
Classification: Benign. Last evaluated: 2024-04-12. Review status: criteria provided, single submitter. Criteria: ACMG Guidelines, 2015. Collection method: clinical testing. Allele origin: germline.

All of Us Research Program, National Institutes of Health
Classification: Benign for Malignant hyperthermia, susceptibility to, 1. Last evaluated: 2024-01-11. Review status: criteria provided, single submitter. Criteria: ACMG Guidelines, 2015. Collection method: clinical testing. Allele origin: germline. Inheritance: Autosomal dominant inheritance. Observed: 16 variant alleles, 16 heterozygotes.
Comment: This study involves interpretation of variants in research participants for the purpose of population health screening. Participant phenotype was not available at the time of variant classification. Additional details can be found in publication PMID: 35346344, PMCID: PMC8962531

Color Diagnostics, LLC DBA Color Health
Classification: Benign for Malignant hyperthermia, susceptibility to, 1. Last evaluated: 2022-04-29. Review status: criteria provided, single submitter. Criteria: ACMG Guidelines, 2015. Collection method: clinical testing. Allele origin: germline.

Illumina Laboratory Services, Illumina
Classification: Likely benign for Congenital multicore myopathy with external ophthalmoplegia. Last evaluated: 2018-01-13. Review status: criteria provided, single submitter. Criteria: ICSL Variant Classification Criteria 13 December 2019. Collection method: clinical testing. Allele origin: germline.
Comment: This variant was observed in the ICSL laboratory as part of a predisposition screen in an ostensibly healthy population. It had not been previously curated by ICSL or reported in the Human Gene Mutation Database (HGMD: prior to June 1st, 2018), and was therefore a candidate for classification through an automated scoring system. Utilizing variant allele frequency, disease prevalence and penetrance estimates, and inheritance mode, an automated score was calculated to assess if this variant is too frequent to cause the disease. Based on the score and internal cut-off values, a variant classified as likely benign is not then subjected to further curation. The score for this variant resulted in a classification of likely benign for this disease.

Illumina Laboratory Services, Illumina
Classification: Likely benign for Malignant hyperthermia, susceptibility to, 1. Last evaluated: 2018-01-13. Review status: criteria provided, single submitter. Criteria: ICSL Variant Classification Criteria 13 December 2019. Collection method: clinical testing. Allele origin: germline.
Comment: the same text as in the submission from Illumina Laboratory Services, Illumina above.

Eurofins Ntd Llc (ga)
Classification: Uncertain significance. Last evaluated: 2014-09-13. Review status: criteria provided, single submitter. Criteria: EGL Classification Definitions 2015. Collection method: clinical testing. Allele origin: germline. Observed: 1 variant allele, 1 heterozygote.

NM_000540.3(RYR1):c.13680T>C (p.Phe4560=)

Gene: RYR1 (ryanodine receptor 1; plus strand). Cytogenetic location: 19q13.2.
Variant type: single nucleotide variant.
Coding change: c.13680T>C on transcript NM_000540.3 (MANE Select); coding-DNA position 13680, T replaced by C.
Protein change: p.Phe4560=; no amino-acid change (phenylalanine 4560 retained).
Molecular consequence: synonymous variant.
Genome position (GRCh38, 1-based): chr19:38,570,627, T>C. VCF-style: chr19-38570627-T-C. GRCh37 (hg19) VCF-style: chr19-39061267-T-C.
Other names: c.13665T>C, p.Phe4555= (NM_001042723.2).
Identifiers: ClinVar variation 199229 (VCV000199229.22), dbSNP rs377664510, ClinGen allele CA024066.
Genomic context (GRCh38, chr19:38,570,627, plus strand): 5'-GATCTGTGAGCGCTTTCTCTCTTTTTCTCTTCTCTCTCAGAACTACCTGTCCCGGAACTT[T>C]TACACCCTGCGGTTCCTTGCCCTCTTCTTGGCATTTGCCATCAACTTCATCTTGCTGTTT-3'
Protein context (NP_000531.2, residues 4550-4570): VKFLNYLSRN[Phe4560=]YTLRFLALFL